The following is an entry in ClinVar:

ClinVar aggregate classification (germline): Uncertain significance (1 of 4 stars; one submission).

Conditions:
Gorlin syndrome. Also called: Nevoid Basal Cell Carcinoma Syndrome; Basal cell nevus syndrome. Identifiers: Orphanet 377, MedGen C0004779, MONDO:0007187.

Allele frequency attached by ClinVar (database versions not stated): gnomAD exomes below 0.00001.

Submission:

Labcorp Genetics (formerly Invitae), Labcorp
Classification: Uncertain significance for Gorlin syndrome. Last evaluated: 2021-07-09. Review status: criteria provided, single submitter. Criteria: Invitae Variant Classification Sherloc (09022015). Collection method: clinical testing. Allele origin: germline.
Comment: In summary, the available evidence is currently insufficient to determine the role of this variant in disease. Therefore, it has been classified as a Variant of Uncertain Significance. This sequence change replaces valine with isoleucine at codon 662 of the PTCH1 protein (p.Val662Ile). The valine residue is moderately conserved and there is a small physicochemical difference between valine and isoleucine. This variant is not present in population databases (ExAC no frequency). This variant has not been reported in the literature in individuals affected with PTCH1-related conditions. Advanced modeling of protein sequence and biophysical properties (such as structural, functional, and spatial information, amino acid conservation, physicochemical variation, residue mobility, and thermodynamic stability) performed at Invitae indicates that this missense variant is not expected to disrupt PTCH1 protein function.

NM_000264.5(PTCH1):c.1984G>A (p.Val662Ile)

Genes: PTCH1 (patched 1; minus strand), LOC100507346 (uncharacterized LOC100507346; plus strand). Cytogenetic location: 9q22.32.
Variant type: single nucleotide variant.
Coding change: c.1984G>A on transcript NM_000264.5 (MANE Select); coding-DNA position 1984, G replaced by A.
Protein change: p.Val662Ile; replaces valine 662 with isoleucine.
Molecular consequence: missense variant. On other transcripts: non-coding transcript variant (2).
Genome position (GRCh38, 1-based): chr9:95,469,017, C>T on the plus strand (G>A on the coding strand, the complement: PTCH1 is on the minus strand). VCF-style: chr9-95469017-C-T. GRCh37 (hg19) VCF-style: chr9-98231299-C-T.
Other names: c.1828G>A, p.Val610Ile (NM_001354918.2); c.1786G>A, p.Val596Ile (NM_001083602.3); c.1981G>A, p.Val661Ile (NM_001083603.3); c.1531G>A, p.Val511Ile (NM_001083604.3, NM_001083605.3, NM_001083606.3 and 1 more transcripts); short protein forms V661I, V511I, V596I, V610I, V662I.
Identifiers: ClinVar variation 1474280 (VCV001474280.8), dbSNP rs1332668908, ClinGen allele CA374115901.